The following is an entry in ClinVar:

ClinVar aggregate classification (germline): Likely benign. Review status: criteria provided, multiple submitters, no conflicts (2 of 4 stars). 3 submissions from 3 submitters: Likely benign (2). 1 of the submissions does not count toward it. Last evaluated 2026-01-04.

Conditions:
DNAH9-related disorder. Also called: DNAH9-related condition.

Allele frequency attached by ClinVar (database versions not stated): gnomAD 0.00006 and 0.00008; TOPMed 0.00010; ExAC 0.00019; gnomAD exomes 0.00019; 1000 Genomes Project 0.00040; 1000 Genomes Project 30x 0.00047.
gnomAD v4.1: 159 of 1,612,740 alleles (0.0099%); highest among the groups gnomAD compares: East Asian, 0.2%; no homozygotes.

Submissions (3):

Labcorp Genetics (formerly Invitae), Labcorp
Classification: Likely benign. Last evaluated: 2026-01-04. Review status: criteria provided, single submitter. Criteria: Invitae Variant Classification Sherloc (09022015). Collection method: clinical testing. Allele origin: germline.

Breakthrough Genomics
Classification: Likely benign. Review status: criteria provided, single submitter. Criteria: ACMG Guidelines, 2015. Collection method: not provided. Allele origin: germline. Inheritance: Autosomal recessive inheritance. Affected: yes.

PreventionGenetics, part of Exact Sciences
Classification: Likely benign for DNAH9-related condition. Last evaluated: 2024-08-02. Review status: no assertion criteria provided. Collection method: clinical testing. Allele origin: germline. Not counted in ClinVar's aggregate classification.
Comment: This variant is classified as likely benign based on ACMG/AMP sequence variant interpretation guidelines (Richards et al. 2015 PMID: 25741868, with internal and published modifications).

NM_001372.4(DNAH9):c.6815G>A (p.Arg2272His)

Gene: DNAH9 (dynein axonemal heavy chain 9; plus strand). Cytogenetic location: 17p12.
Variant type: single nucleotide variant.
Coding change: c.6815G>A on transcript NM_001372.4 (MANE Select); coding-DNA position 6815, G replaced by A.
Protein change: p.Arg2272His; replaces arginine 2272 with histidine.
Molecular consequence: missense variant.
Genome position (GRCh38, 1-based): chr17:11,756,644, G>A. VCF-style: chr17-11756644-G-A. GRCh37 (hg19) VCF-style: chr17-11659961-G-A.
Other names: c.6815G>A (NM_001372.3); short protein forms R2272H.
Identifiers: ClinVar variation 1624417 (VCV001624417.11), dbSNP rs200338636, ClinGen allele CA8396419.
Genomic context (GRCh38, chr17:11,756,644, plus strand): 5'-GCAATGAGAGGATTCCTCTGAACCCCACCATGAAGCTCCTCTTTGAGATCAGCCACCTGC[G>A]CACAGCCACTCCAGCAACTGTCTCTAGAGCAGGTACGGCCCAAGAAGGGAAGAACCACAA-3'
Protein context (NP_001363.2, residues 2262-2282): MKLLFEISHL[Arg2272His]TATPATVSRA